The following is an entry in ClinVar:

ClinVar aggregate classification (germline): Benign. Review status: criteria provided, multiple submitters, no conflicts (2 of 4 stars). 2 submissions from 2 submitters: Benign (2). Last evaluated 2018-06-14.

Allele frequency attached by ClinVar (database versions not stated): gnomAD exomes 0.29488; gnomAD 0.35764 and 0.36395; TOPMed 0.37848; 1000 Genomes Project 30x 0.50843; 1000 Genomes Project 0.51218.
gnomAD v4.1: 237,596 of 768,210 alleles (31%); highest among the groups gnomAD compares: East Asian, 69%; 44,436 homozygotes.

Submissions (2):

GeneDx
Classification: Benign. Last evaluated: 2018-06-14. Review status: criteria provided, single submitter. Criteria: GeneDx Variant Classification (06012015). Collection method: clinical testing. Allele origin: germline. Affected: yes.
Comment: This variant is considered likely benign or benign based on one or more of the following criteria: it is a conservative change, it occurs at a poorly conserved position in the protein, it is predicted to be benign by multiple in silico algorithms, and/or has population frequency not consistent with disease.

Breakthrough Genomics
Classification: Benign. Review status: criteria provided, single submitter. Criteria: ACMG Guidelines, 2015. Collection method: not provided. Allele origin: germline. Inheritance: Autosomal recessive inheritance. Affected: yes.

NM_001267550.2(TTN):c.68329+121A>C

Genes: TTN (titin; minus strand), TTN-AS1 (TTN antisense RNA 1; plus strand). Cytogenetic location: 2q31.2.
Variant type: single nucleotide variant.
Coding change: c.68329+121A>C on transcript NM_001267550.2 (MANE Select); 121 bases into the intron after coding-DNA position 68329, A replaced by C.
Molecular consequence: intron variant.
Genome position (GRCh38, 1-based): chr2:178,578,490, T>G on the plus strand (A>C on the coding strand, the complement: TTN is on the minus strand). VCF-style: chr2-178578490-T-G. GRCh37 (hg19) VCF-style: chr2-179443217-T-G.
Other names: c.41134+121A>C (NM_003319.4); c.41710+121A>C (NM_133437.4); c.41509+121A>C (NM_133432.3); c.60625+121A>C (NM_133378.4); c.63406+121A>C (NM_001256850.1).
Identifiers: ClinVar variation 672660 (VCV000672660.2), dbSNP rs3769864, ClinGen allele CA11167857.
Genomic context (GRCh38, chr2:178,578,490, plus strand): 5'-TATTAACTATTACATTAGGATATTTTCAATAAAATTAAACATTAACCATATGTACTGAAA[T>G]AAAAACACATTTCTGTATAAGCAGATAATGTTATCGATAAGCACATGTTCAACTGTTCTC-3'